The following is an entry in ClinVar:

NM_022356.4(P3H1):c.2055+18G>A

Gene: P3H1 (prolyl 3-hydroxylase 1; minus strand). Cytogenetic location: 1p34.2.
Variant type: single nucleotide variant.
Coding change: c.2055+18G>A on transcript NM_022356.4 (MANE Select); 18 bases into the intron after coding-DNA position 2055, G replaced by A.
Molecular consequence: intron variant. On other transcripts: synonymous variant (2).
Genome position (GRCh38, 1-based): chr1:42,747,254, C>T on the plus strand (G>A on the coding strand, the complement: P3H1 is on the minus strand). VCF-style: chr1-42747254-C-T. GRCh37 (hg19) VCF-style: chr1-43212925-C-T.
Other names: P3H1, IVS14, G-A, +18; IVS14, G-A, +18; c.2073G>A, p.Ala691= (NM_001146289.2, NM_001243246.2).
Identifiers: ClinVar variation 1259 (VCV000001259.14), dbSNP rs137853890, ClinGen allele CA212759.

ClinVar aggregate classification (germline): Pathogenic/Likely pathogenic. Review status: criteria provided, multiple submitters, no conflicts (2 of 4 stars). 5 submissions from 5 submitters: Pathogenic (2); Likely pathogenic (2). 1 of the submissions does not count toward it. Last evaluated 2026-01-17.

Conditions:
Osteogenesis imperfecta type 8 (OI8). Identifiers: MedGen C1970458, MONDO:0012581, OMIM 610915.

Allele frequency attached by ClinVar (database versions not stated): ExAC 0.00001; gnomAD 0.00003; ESP Exome Variant Server 0.00008.
gnomAD v4.1: 18 of 1,613,518 alleles (0.0011%); highest among the groups gnomAD compares: East Asian, 0.0022%; no homozygotes.

Submissions (5):

Labcorp Genetics (formerly Invitae), Labcorp
Classification: Pathogenic for Osteogenesis imperfecta type 8. Last evaluated: 2026-01-17. Review status: criteria provided, single submitter. Criteria: Invitae Variant Classification Sherloc (09022015). Collection method: clinical testing. Allele origin: germline.
Comment: This sequence change falls in intron 14 of the P3H1 gene. It does not directly change the encoded amino acid sequence of the P3H1 protein. RNA analysis indicates that this variant induces altered splicing and likely disrupts the C-terminus of the protein. This variant is present in population databases (rs137853890, gnomAD 0.0008%). This variant has been observed in individuals with autosomal recessive osteogenesis imperfecta (PMID: 3545499, 22615817, 27864101). ClinVar contains an entry for this variant (Variation ID: 1259). Studies have shown that this variant results in strengthens a cryptic splice site in intron 14 and the retention of a 19 bp repeat and introduces a new termination codon (PMID: 19088120). However the mRNA is not expected to undergo nonsense-mediated decay. This variant disrupts the C-terminus of the P3H1 protein. Other variant(s) that disrupt this region (p.Q722*, p.Glu719Argfs*11) have been observed in individuals with P3H1-related conditions (PMID: 22615817, 27864101). This suggests that this may be a clinically significant region of the protein. For these reasons, this variant has been classified as Pathogenic.

Fulgent Genetics
Classification: Likely pathogenic for Osteogenesis imperfecta type 8. Last evaluated: 2024-04-17. Review status: criteria provided, single submitter. Criteria: ACMG Guidelines, 2015. Collection method: clinical testing. Allele origin: germline.

Genome-Nilou Lab
Classification: Likely pathogenic for Osteogenesis imperfecta type 8. Last evaluated: 2023-04-11. Review status: criteria provided, single submitter. Criteria: ACMG Guidelines, 2015. Collection method: clinical testing. Allele origin: germline. Affected: no.

GeneDx
Classification: Pathogenic. Last evaluated: 2023-04-05. Review status: criteria provided, single submitter. Criteria: GeneDx Variant Classification Process June 2021. Collection method: clinical testing. Allele origin: germline.
Comment: Published RNA studies are consistent with aberrant splicing (Willaert et al., 2009); Not observed at significant frequency in large population cohorts (gnomAD); This variant is associated with the following publications: (PMID: 31589614, 33470886, 19088120)

OMIM
Classification: Pathogenic for OSTEOGENESIS IMPERFECTA, TYPE VIII. Last evaluated: 2009-04-01. Review status: no assertion criteria provided. Collection method: literature only. Allele origin: germline. Not counted in ClinVar's aggregate classification.

Literature cited by the submitters: PubMed 3545499 (cited by Labcorp Genetics (formerly Invitae), Labcorp); PubMed 22615817 (cited by Labcorp Genetics (formerly Invitae), Labcorp); PubMed 27864101 (cited by Labcorp Genetics (formerly Invitae), Labcorp); PubMed 19088120 (cited by Labcorp Genetics (formerly Invitae), Labcorp and OMIM).